The following is an entry in ClinVar:

ClinVar aggregate classification (germline): Likely benign. Review status: criteria provided, multiple submitters, no conflicts (2 of 4 stars). 2 submissions from 2 submitters: Likely benign (2). Last evaluated 2023-01-05.

Conditions:
Pyridoxal phosphate-responsive seizures (PNPOD). Also called: Pyridoxine-5'-phosphate oxidase deficiency; EPILEPTIC ENCEPHALOPATHY, NEONATAL, PNPO-RELATED; SEIZURES, PYRIDOXINE-RESISTANT, PLP-SENSITIVE; Pyridoxal 5'-Phosphate (PLP)-Dependent Epilepsy; Pyridoxamine 5-Prime-Phosphate Oxidase Deficiency. Identifiers: Orphanet 79096, MedGen C1864723, MONDO:0012407, OMIM 610090. Disease mechanism: loss of function.

Allele frequency attached by ClinVar (database versions not stated): TOPMed below 0.00001.

Submissions (2):

Labcorp Genetics (formerly Invitae), Labcorp
Classification: Likely benign for Pyridoxal phosphate-responsive seizures. Last evaluated: 2023-01-05. Review status: criteria provided, single submitter. Criteria: Invitae Variant Classification Sherloc (09022015). Collection method: clinical testing. Allele origin: germline.

GeneDx
Classification: Likely benign. Last evaluated: 2017-11-01. Review status: criteria provided, single submitter. Criteria: GeneDx Variant Classification (06012015). Collection method: clinical testing. Allele origin: germline. Affected: yes.
Comment: This variant is considered likely benign or benign based on one or more of the following criteria: it is a conservative change, it occurs at a poorly conserved position in the protein, it is predicted to be benign by multiple in silico algorithms, and/or has population frequency not consistent with disease.

NM_018129.4(PNPO):c.132C>T (p.Asp44=)

Gene: PNPO (pyridoxamine 5'-phosphate oxidase; plus strand). Cytogenetic location: 17q21.32.
Variant type: single nucleotide variant.
Coding change: c.132C>T on transcript NM_018129.4 (MANE Select); coding-DNA position 132, C replaced by T.
Protein change: p.Asp44=; no amino-acid change (aspartic acid 44 retained).
Molecular consequence: synonymous variant.
Genome position (GRCh38, 1-based): chr17:47,941,807, C>T. VCF-style: chr17-47941807-C-T. GRCh37 (hg19) VCF-style: chr17-46019173-C-T.
Identifiers: ClinVar variation 516487 (VCV000516487.10), dbSNP rs1355321284, ClinGen allele CA500450320.
Genomic context (GRCh38, chr17:47,941,807, plus strand): 5'-CCTGTGTGGTCGCAGTGCTGCCATGGACCTGGGACCCATGCGCAAGAGTTACCGCGGGGA[C>T]CGAGAGGTGCCGCCGCTAGGGCCAGGCCTCCTGCAGGGGCGGGGGAAAAGGGGTCCCCGG-3'
Protein context (NP_060599.1, residues 34-54): LGPMRKSYRG[Asp44=]REAFEETHLT